The following is an entry in ClinVar:

NM_020207.7(ERCC6L2):c.134A>T (p.Asp45Val)

Gene: ERCC6L2 (ERCC excision repair 6 like 2; plus strand). Cytogenetic location: 9q22.32.
Variant type: single nucleotide variant.
Coding change: c.134A>T on transcript NM_020207.7 (MANE Select); coding-DNA position 134, A replaced by T.
Protein change: p.Asp45Val; replaces aspartic acid 45 with valine.
Molecular consequence: missense variant. On other transcripts: non-coding transcript variant (1).
Genome position (GRCh38, 1-based): chr9:95,880,956, A>T. VCF-style: chr9-95880956-A-T. GRCh37 (hg19) VCF-style: chr9-98643238-A-T.
Other names: c.134A>T, p.Asp45Val (NM_001010895.4, NM_001375291.1, NM_001375292.1 and 2 more transcripts); short protein forms D45V.
Identifiers: ClinVar variation 3509962 (VCV003509962.1).
Genomic context (GRCh38, chr9:95,880,956, plus strand): 5'-TTGCCCCTTCTCCAGATAATGGAAAACTTTGTGAAGCAAGCATAAAATCTATCACAGTGG[A>T]TGAAAATGGCAAGTCATTTGCAGTCGTCTTATATGCAGATTTTCAAGAAAGGAAAATACC-3'
Protein context (NP_064592.3, residues 35-55): CEASIKSITV[Asp45Val]ENGKSFAVVL

ClinVar aggregate classification (germline): Uncertain significance (1 of 4 stars; one submission).

Conditions:
Inborn genetic diseases. Identifiers: MedGen C0950123, MeSH D030342.

Submission:

Ambry Genetics
Classification: Uncertain significance for Inborn genetic diseases. Last evaluated: 2024-11-20. Review status: criteria provided, single submitter. Criteria: Ambry Variant Classification Scheme 2023. Collection method: clinical testing. Allele origin: germline.
Comment: The p.D45V variant (also known as c.134A>T), located in coding exon 2 of the ERCC6L2 gene, results from an A to T substitution at nucleotide position 134. The aspartic acid at codon 45 is replaced by valine, an amino acid with highly dissimilar properties. This amino acid position is conserved. In addition, this alteration is predicted to be deleterious by in silico analysis. Based on the available evidence, the clinical significance of this variant remains unclear.